The following is an entry in ClinVar:

ClinVar aggregate classification (germline): Uncertain significance (1 of 4 stars; one submission).

Allele frequency attached by ClinVar (database versions not stated): gnomAD 0.00001; gnomAD exomes 0.00002 and 0.00006; ExAC 0.00010.
gnomAD v4.1: 31 of 1,613,394 alleles (0.0019%); highest among the groups gnomAD compares: Non-Finnish European, 0.0023%; no homozygotes.

Submission:

Labcorp Genetics (formerly Invitae), Labcorp
Classification: Uncertain significance. Last evaluated: 2025-12-08. Review status: criteria provided, single submitter. Criteria: Invitae Variant Classification Sherloc (09022015). Collection method: clinical testing. Allele origin: germline.
Comment: This sequence change replaces aspartic acid, which is acidic and polar, with glutamic acid, which is acidic and polar, at codon 68 of the C1S protein (p.Asp68Glu). This variant is present in population databases (rs782196813, gnomAD 0.01%). This variant has not been reported in the literature in individuals affected with C1S-related conditions. ClinVar contains an entry for this variant (Variation ID: 1450168). Invitae Evidence Modeling of protein sequence and biophysical properties (such as structural, functional, and spatial information, amino acid conservation, physicochemical variation, residue mobility, and thermodynamic stability) indicates that this missense variant is expected to disrupt C1S protein function with a positive predictive value of 80%. In summary, the available evidence is currently insufficient to determine the role of this variant in disease. Therefore, it has been classified as a Variant of Uncertain Significance.

NM_001734.5(C1S):c.204C>G (p.Asp68Glu)

Gene: C1S (complement C1s; plus strand). Cytogenetic location: 12p13.31.
Variant type: single nucleotide variant.
Coding change: c.204C>G on transcript NM_001734.5 (MANE Select); coding-DNA position 204, C replaced by G.
Protein change: p.Asp68Glu; replaces aspartic acid 68 with glutamic acid.
Molecular consequence: missense variant. On other transcripts: intron variant (1).
Genome position (GRCh38, 1-based): chr12:7,062,673, C>G. VCF-style: chr12-7062673-C-G. GRCh37 (hg19) VCF-style: chr12-7169977-C-G.
Other names: c.204C>G, p.Asp68Glu (NM_201442.4); c.-288-217C>G (NM_001346850.2); short protein forms D68E.
Identifiers: ClinVar variation 1450168 (VCV001450168.8), dbSNP rs782196813, ClinGen allele CA6423332.